The following is an entry in ClinVar:

ClinVar aggregate classification (germline): Uncertain significance (1 of 4 stars; one submission).

Allele frequency attached by ClinVar (database versions not stated): TOPMed below 0.00001; gnomAD 0.00001; gnomAD exomes 0.00001.
gnomAD v4.1: 15 of 1,605,046 alleles (0.00093%); highest among the groups gnomAD compares: Non-Finnish European, 0.0013%; no homozygotes.

Submission:

Labcorp Genetics (formerly Invitae), Labcorp
Classification: Uncertain significance. Last evaluated: 2025-07-19. Review status: criteria provided, single submitter. Criteria: Invitae Variant Classification Sherloc (09022015). Collection method: clinical testing. Allele origin: germline.
Comment: This sequence change replaces serine, which is neutral and polar, with arginine, which is basic and polar, at codon 458 of the CCT2 protein (p.Ser458Arg). This variant is not present in population databases (gnomAD no frequency). This variant has not been reported in the literature in individuals affected with CCT2-related conditions. ClinVar contains an entry for this variant (Variation ID: 1475749). An algorithm developed to predict the effect of missense changes on protein structure and function (PolyPhen-2) suggests that this variant is likely to be disruptive. In summary, the available evidence is currently insufficient to determine the role of this variant in disease. Therefore, it has been classified as a Variant of Uncertain Significance.

NM_006431.3(CCT2):c.1374T>G (p.Ser458Arg)

Gene: CCT2 (chaperonin containing TCP1 subunit 2; plus strand). Cytogenetic location: 12q15.
Variant type: single nucleotide variant.
Coding change: c.1374T>G on transcript NM_006431.3 (MANE Select); coding-DNA position 1374, T replaced by G.
Protein change: p.Ser458Arg; replaces serine 458 with arginine.
Molecular consequence: missense variant.
Genome position (GRCh38, 1-based): chr12:69,598,360, T>G. VCF-style: chr12-69598360-T-G. GRCh37 (hg19) VCF-style: chr12-69992140-T-G.
Other names: c.1233T>G, p.Ser411Arg (NM_001198842.2); short protein forms S458R, S411R.
Identifiers: ClinVar variation 1475749 (VCV001475749.8), dbSNP rs769031766, ClinGen allele CA239120603.
Genomic context (GRCh38, chr12:69,598,360, plus strand): 5'-CTTGTTTTCTTCATTTTCATAGTTGCCAACCATCATAGCTGACAATGCAGGCTATGACAG[T>G]GCAGACCTGGTGGCACAGCTCAGGGCTGCTCACAGTGAAGGCAATACCACTGCTGGATTG-3'
Protein context (NP_006422.1, residues 448-468): TIIADNAGYD[Ser458Arg]ADLVAQLRAA